The following is an entry in ClinVar:

ClinVar aggregate classification (germline): Uncertain significance (1 of 4 stars; one submission).

Conditions:
Hereditary cancer-predisposing syndrome. Also called: Neoplastic Syndromes, Hereditary; Tumor predisposition; Hereditary neoplastic syndrome; Hereditary Cancer Syndrome. Identifiers: Orphanet 140162, MedGen C0027672, MeSH D009386, MONDO:0015356.

gnomAD v4.1: 1 of 1,614,140 alleles (0.000062%); highest among the groups gnomAD compares: Non-Finnish European, 0.000085%; no homozygotes.

Submission:

Ambry Genetics
Classification: Uncertain significance for Hereditary cancer-predisposing syndrome. Last evaluated: 2025-05-31. Review status: criteria provided, single submitter. Criteria: Ambry Variant Classification Scheme 2023. Collection method: clinical testing. Allele origin: germline.
Comment: The p.E1027D variant (also known as c.3081G>C), located in coding exon 19 of the BRIP1 gene, results from a G to C substitution at nucleotide position 3081. The glutamic acid at codon 1027 is replaced by aspartic acid, an amino acid with highly similar properties. This amino acid position is conserved. In addition, this alteration is predicted to be tolerated by in silico analysis. Since supporting evidence is limited at this time, the clinical significance of this alteration remains unclear.

NM_032043.3(BRIP1):c.3081G>C (p.Glu1027Asp)

Gene: BRIP1 (BRCA1 interacting DNA helicase 1; minus strand). Cytogenetic location: 17q23.2.
Variant type: single nucleotide variant.
Coding change: c.3081G>C on transcript NM_032043.3 (MANE Select); coding-DNA position 3081, G replaced by C.
Protein change: p.Glu1027Asp; replaces glutamic acid 1027 with aspartic acid.
Molecular consequence: missense variant.
Genome position (GRCh38, 1-based): chr17:61,683,965, C>G on the plus strand (G>C on the coding strand, the complement: BRIP1 is on the minus strand). VCF-style: chr17-61683965-C-G. GRCh37 (hg19) VCF-style: chr17-59761326-C-G.
Other names: short protein forms E1027D.
Identifiers: ClinVar variation 2449918 (VCV002449918.3), dbSNP rs777660106, ClinGen allele CA400479831.
Genomic context (GRCh38, chr17:61,683,965, plus strand): 5'-CAAAACAGTTTTACTTTCCATCTTCTCTGTTTTGAAACGGGGAGGACTAGAGGCACTATT[C>G]TCTGATGACCCGAGCTCAGGTGTTGCCTTCGGTATTTTACCAGTAAAATACTGTCCCAAA-3'
Protein context (NP_114432.2, residues 1017-1037): PKATPELGSS[Glu1027Asp]NSASSPPRFK